The following is an entry in ClinVar:

ClinVar aggregate classification (germline): Uncertain significance (0 of 4 stars; one submission).

Conditions:
PLXNA2-related disorder. Also called: PLXNA2-related condition.

Allele frequency attached by ClinVar (database versions not stated): gnomAD exomes below 0.00001.
gnomAD v4.1: 1 of 1,614,012 alleles (0.000062%); highest among the groups gnomAD compares: Non-Finnish European, 0.000085%; no homozygotes.

Submission:

PreventionGenetics, part of Exact Sciences
Classification: Uncertain significance for PLXNA2-related condition. Last evaluated: 2023-12-28. Review status: no assertion criteria provided. Collection method: clinical testing. Allele origin: germline.
Comment: The PLXNA2 c.2833T>C variant is predicted to result in the amino acid substitution p.Ser945Pro. To our knowledge, this variant has not been reported in the literature or in a large population database, indicating this variant is rare. At this time, the clinical significance of this variant is uncertain due to the absence of conclusive functional and genetic evidence.

NM_025179.4(PLXNA2):c.2833T>C (p.Ser945Pro)

Gene: PLXNA2 (plexin A2; minus strand). Cytogenetic location: 1q32.2.
Variant type: single nucleotide variant.
Coding change: c.2833T>C on transcript NM_025179.4 (MANE Select); coding-DNA position 2833, T replaced by C.
Protein change: p.Ser945Pro; replaces serine 945 with proline.
Molecular consequence: missense variant.
Genome position (GRCh38, 1-based): chr1:208,054,444, A>G on the plus strand (T>C on the coding strand, the complement: PLXNA2 is on the minus strand). VCF-style: chr1-208054444-A-G. GRCh37 (hg19) VCF-style: chr1-208227789-A-G.
Other names: short protein forms S945P.
Identifiers: ClinVar variation 3030501 (VCV003030501.2), dbSNP rs1665360196, ClinGen allele CA344565565.